The following is an entry in ClinVar:

ClinVar aggregate classification (germline): Uncertain significance (1 of 4 stars; one submission).

Allele frequency attached by ClinVar (database versions not stated): gnomAD exomes below 0.00001; gnomAD 0.00001.
gnomAD v4.1: 3 of 1,613,192 alleles (0.00019%); highest among the groups gnomAD compares: African/African-American, 0.0027%; no homozygotes.

Submission:

Labcorp Genetics (formerly Invitae), Labcorp
Classification: Uncertain significance. Last evaluated: 2023-10-20. Review status: criteria provided, single submitter. Criteria: Invitae Variant Classification Sherloc (09022015). Collection method: clinical testing. Allele origin: germline.
Comment: This sequence change replaces threonine, which is neutral and polar, with isoleucine, which is neutral and non-polar, at codon 778 of the PLG protein (p.Thr778Ile). This variant is present in population databases (no rsID available, gnomAD 0.007%). This variant has not been reported in the literature in individuals affected with PLG-related conditions. Advanced modeling of protein sequence and biophysical properties (such as structural, functional, and spatial information, amino acid conservation, physicochemical variation, residue mobility, and thermodynamic stability) performed at Invitae indicates that this missense variant is not expected to disrupt PLG protein function. In summary, the available evidence is currently insufficient to determine the role of this variant in disease. Therefore, it has been classified as a Variant of Uncertain Significance.

NM_000301.5(PLG):c.2333C>T (p.Thr778Ile)

Gene: PLG (plasminogen; plus strand). Cytogenetic location: 6q26.
Variant type: single nucleotide variant.
Coding change: c.2333C>T on transcript NM_000301.5 (MANE Select); coding-DNA position 2333, C replaced by T.
Protein change: p.Thr778Ile; replaces threonine 778 with isoleucine.
Molecular consequence: missense variant.
Genome position (GRCh38, 1-based): chr6:160,752,961, C>T. VCF-style: chr6-160752961-C-T. GRCh37 (hg19) VCF-style: chr6-161173993-C-T.
Other names: short protein forms T778I.
Identifiers: ClinVar variation 2970764 (VCV002970764.3), dbSNP rs1483681591, ClinGen allele CA366369006.